The following is an entry in ClinVar:

NM_015047.3(EMC1):c.2216A>G (p.Asn739Ser)

Genes: EMC1 (ER membrane protein complex subunit 1; minus strand), EMC1-AS1 (EMC1 antisense RNA 1; plus strand). Cytogenetic location: 1p36.13.
Variant type: single nucleotide variant.
Coding change: c.2216A>G on transcript NM_015047.3 (MANE Select); coding-DNA position 2216, A replaced by G.
Protein change: p.Asn739Ser; replaces asparagine 739 with serine.
Molecular consequence: missense variant.
Genome position (GRCh38, 1-based): chr1:19,223,556, T>C on the plus strand (A>G on the coding strand, the complement: EMC1 is on the minus strand). VCF-style: chr1-19223556-T-C. GRCh37 (hg19) VCF-style: chr1-19550050-T-C.
Other names: c.2213A>G, p.Asn738Ser (NM_001271427.2, NM_001271428.2); c.2150A>G, p.Asn717Ser (NM_001271429.2); c.2225A>G, p.Asn742Ser (NM_001375820.1); c.2222A>G, p.Asn741Ser (NM_001375821.1); short protein forms N717S, N739S, N742S, N741S, N738S.
Identifiers: ClinVar variation 4760358 (VCV004760358.1).

ClinVar aggregate classification (germline): Uncertain significance (1 of 4 stars; one submission).

Submission:

Labcorp Genetics (formerly Invitae), Labcorp
Classification: Uncertain significance. Last evaluated: 2026-01-20. Review status: criteria provided, single submitter. Criteria: Invitae Variant Classification Sherloc (09022015). Collection method: clinical testing. Allele origin: germline.
Comment: This sequence change replaces asparagine, which is neutral and polar, with serine, which is neutral and polar, at codon 739 of the EMC1 protein (p.Asn739Ser). This variant is present in population databases (no rsID available, gnomAD 0.003%). This variant has not been reported in the literature in individuals affected with EMC1-related conditions. Invitae Evidence Modeling of protein sequence and biophysical properties (such as structural, functional, and spatial information, amino acid conservation, physicochemical variation, residue mobility, and thermodynamic stability) indicates that this missense variant is expected to disrupt EMC1 protein function with a positive predictive value of 80%. In summary, the available evidence is currently insufficient to determine the role of this variant in disease. Therefore, it has been classified as a Variant of Uncertain Significance.